The following is an entry in ClinVar:

ClinVar aggregate classification (germline): Uncertain significance (1 of 4 stars; one submission).

Submission:

Labcorp Genetics (formerly Invitae), Labcorp
Classification: Uncertain significance. Last evaluated: 2022-03-20. Review status: criteria provided, single submitter. Criteria: Invitae Variant Classification Sherloc (09022015). Collection method: clinical testing. Allele origin: germline.
Comment: In summary, the available evidence is currently insufficient to determine the role of this variant in disease. Therefore, it has been classified as a Variant of Uncertain Significance. Experimental studies and prediction algorithms are not available or were not evaluated, and the functional significance of this variant is currently unknown. This variant has not been reported in the literature in individuals affected with BPTF-related conditions. This variant is present in population databases (rs768839258, gnomAD 0.01%). This variant, c.554_556dup, results in the insertion of 1 amino acid(s) of the BPTF protein (p.Asp185dup), but otherwise preserves the integrity of the reading frame.

NM_182641.4(BPTF):c.542ACG[6] (p.Asp185_Ala186insAsp)

Genes: BPTF (bromodomain PHD finger transcription factor; plus strand), LOC130061496 (ATAC-STARR-seq lymphoblastoid active region 12632; plus strand). Cytogenetic location: 17q24.2.
Variant type: Microsatellite.
Coding change: c.542ACG[6] on transcript NM_182641.4 (MANE Select); six copies in a row of the 3-base unit ACG starting at c.542; the reference has five copies in a row; one copy, 3 bases duplicated.
Protein change: p.Asp185_Ala186insAsp.
Molecular consequence: inframe insertion.
Genome position (GRCh38, 1-based): chr17:67,826,278-67,826,280, ACG duplicated; duplicating any 3 consecutive bases within chr17:67,826,265-67,826,280 gives the same sequence; the position shown is the placement nearest the transcript's 3' end. VCF-style (leftmost placement, unchanged base first): chr17-67826264-A-AGAC. GRCh37 (hg19) VCF-style: chr17-65822380-A-AGAC.
Other names: c.542ACG[6], p.Asp185_Ala186insAsp (NM_004459.7).
Identifiers: ClinVar variation 1971346 (VCV001971346.3), dbSNP rs554343942, ClinGen allele CA8725005.